The following is an entry in ClinVar:

ClinVar aggregate classification (germline): Likely pathogenic. Review status: criteria provided, multiple submitters, no conflicts (2 of 4 stars). 2 submissions from 2 submitters: Likely pathogenic (2). Last evaluated 2026-01-27.

Conditions:
Dilated cardiomyopathy 1G (CMD1G). Identifiers: Orphanet 154, MedGen C1858763, MONDO:0011400, OMIM 604145.
Autosomal recessive limb-girdle muscular dystrophy type 2J (LGMDR10). Also called: Limb-girdle muscular dystrophy, type 2J; MUSCULAR DYSTROPHY, LIMB-GIRDLE, AUTOSOMAL RECESSIVE 10. Identifiers: Orphanet 140922, MedGen C1837342, MONDO:0012127, OMIM 608807.
Cardiovascular phenotype. Identifiers: MedGen CN230736.

Submissions (2):

Ambry Genetics
Classification: Likely pathogenic for Cardiovascular phenotype. Last evaluated: 2026-01-27. Review status: criteria provided, single submitter. Criteria: Ambry Variant Classification Scheme 2023. Collection method: clinical testing. Allele origin: germline.
Comment: The c.49137dupA variant, located in coding exon 153 of the TTN gene, results from a duplication of A at nucleotide position 49137, causing a translational frameshift with a predicted alternate stop codon (p.C16380Mfs*2). This exon is located in the A-band region of the N2-B isoform of the titin protein and is constitutively expressed in TTN transcripts (percent spliced in or PSI 100%). This variant is considered to be rare based on population cohorts in the Genome Aggregation Database (gnomAD). This variant is expected to result in loss of function by premature protein truncation or nonsense-mediated mRNA decay. While truncating variants in TTN are present in 1-3% of the general population, truncating variants in the A-band are the most common cause of dilated cardiomyopathy (Herman DS et al. N. Engl. J. Med., 2012 Feb;366:619-28; Roberts AM et al. Sci Transl Med, 2015 Jan;7:270ra6). TTN truncating variants encoded in constitutive exons (PSI >90%) have been found to be significantly associated with DCM regardless of their position in titin (Schafer S et al. Nat. Genet., 2017 01;49:46-53; Akhtar MM et al. Circ Heart Fail, 2020 Oct;13:e006832; Massier M et al. Clin Genet, 2025 Jan). Based on the majority of available evidence to date, this variant is likely to be pathogenic.

Labcorp Genetics (formerly Invitae), Labcorp
Classification: Likely pathogenic for Dilated cardiomyopathy 1G; Autosomal recessive limb-girdle muscular dystrophy type 2J. Last evaluated: 2025-04-10. Review status: criteria provided, single submitter. Criteria: Invitae Variant Classification Sherloc (09022015). Collection method: clinical testing. Allele origin: germline.
Comment: This sequence change creates a premature translational stop signal (p.Cys25445Metfs*2) in the TTN gene. While this is not anticipated to result in nonsense mediated decay, it is expected to create a truncated TTN protein. This variant is not present in population databases (gnomAD no frequency). This variant has not been reported in the literature in individuals affected with TTN-related conditions. ClinVar contains an entry for this variant (Variation ID: 951756). This variant is located in the A band of TTN (PMID: 25589632). Truncating variants in this region are significantly overrepresented in patients affected with dilated cardiomyopathy (PMID: 25589632). Truncating variants in this region have also been reported in individuals affected with autosomal recessive centronuclear myopathy (PMID: 23975875). In summary, the currently available evidence indicates that the variant is pathogenic, but additional data are needed to prove that conclusively. Therefore, this variant has been classified as Likely Pathogenic.

Literature cited by the submitters: PubMed 25589632 (cited by Labcorp Genetics (formerly Invitae), Labcorp); PubMed 23975875 (cited by Labcorp Genetics (formerly Invitae), Labcorp).

NM_001267550.2(TTN):c.76332dup (p.Cys25445fs)

Genes: TTN (titin; minus strand), TTN-AS1 (TTN antisense RNA 1; plus strand). Cytogenetic location: 2q31.2.
Variant type: Duplication.
Coding change: c.76332dup on transcript NM_001267550.2 (MANE Select); coding-DNA position 76332, one base duplicated (A; older notation c.76332dupA).
Protein change: p.Cys25445fs; shifts the reading frame from cysteine 25445.
Molecular consequence: frameshift variant.
Genome position (GRCh38, 1-based): chr2:178,569,800, T duplicated on the plus strand (A on the coding strand, the reverse complement: TTN is on the minus strand); the first of 5 consecutive T bases (chr2:178,569,800-178,569,804); duplicating any one gives the same sequence. VCF-style (leftmost placement, unchanged base first): chr2-178569799-A-AT. GRCh37 (hg19) VCF-style: chr2-179434526-A-AT.
Other names: c.49137dupA (NM_003319.4); c.71409dup, p.Cys23804fs (NM_001256850.1); c.49137dup, p.Cys16380fs (NM_003319.4); c.68628dup, p.Cys22877fs (NM_133378.4); c.49512dup, p.Cys16505fs (NM_133432.3); c.49713dup, p.Cys16572fs (NM_133437.4); short protein forms C16380fs, C16572fs, C22877fs, C16505fs, C25445fs, C23804fs.
Identifiers: ClinVar variation 951756 (VCV000951756.11), dbSNP rs1707471794, ClinGen allele CA1139657423.
Genomic context (GRCh38, chr2:178,569,799, plus strand): 5'-TTGTTTTATTAATTCCTGTTGGTGGAGTGCACATTGTCCATTCACCAACACTCACATCAC[A>AT]TTTTTCAACAATGTATCCTTGAATTTCACAGCCACCATCATATATTGGTTTGCTCCAAGA-3'